The following is an entry in ClinVar:

ClinVar aggregate classification (germline): Uncertain significance (1 of 4 stars; one submission).

gnomAD v4.1: 2 of 1,606,560 alleles (0.00012%); highest among the groups gnomAD compares: African/African-American, 0.0027%; no homozygotes.

Submission:

Ambry Genetics
Classification: Uncertain significance. Last evaluated: 2024-12-09. Review status: criteria provided, single submitter. Criteria: Ambry Variant Classification Scheme 2023. Collection method: clinical testing. Allele origin: germline.
Comment: The p.E431G variant (also known as c.1292A>G), located in coding exon 2 of the CDK12 gene, results from an A to G substitution at nucleotide position 1292. The glutamic acid at codon 431 is replaced by glycine, an amino acid with similar properties. This amino acid position is conserved. In addition, this alteration is predicted to be tolerated by in silico analysis. Based on the available evidence, the clinical significance of this variant remains unclear.

NM_016507.4(CDK12):c.1292A>G (p.Glu431Gly)

Gene: CDK12 (cyclin dependent kinase 12; plus strand). Cytogenetic location: 17q12.
Variant type: single nucleotide variant.
Coding change: c.1292A>G on transcript NM_016507.4 (MANE Select); coding-DNA position 1292, A replaced by G.
Protein change: p.Glu431Gly; replaces glutamic acid 431 with glycine.
Molecular consequence: missense variant.
Genome position (GRCh38, 1-based): chr17:39,471,124, A>G. VCF-style: chr17-39471124-A-G. GRCh37 (hg19) VCF-style: chr17-37627377-A-G.
Other names: c.1292A>G, p.Glu431Gly (NM_015083.4); short protein forms E431G.
Identifiers: ClinVar variation 3489401 (VCV003489401.1).